The following is an entry in ClinVar:

ClinVar aggregate classification (germline): Uncertain significance (1 of 4 stars; one submission).

Conditions:
Hereditary cancer-predisposing syndrome. Also called: Hereditary Cancer Syndrome; Hereditary neoplastic syndrome; Tumor predisposition; Neoplastic Syndromes, Hereditary. Identifiers: Orphanet 140162, MedGen C0027672, MeSH D009386, MONDO:0015356.
Cardiovascular phenotype. Identifiers: MedGen CN230736.

gnomAD v4.1: 2 of 1,613,894 alleles (0.00012%); highest among the groups gnomAD compares: Non-Finnish European, 0.00017%; no homozygotes.

Submission:

Ambry Genetics
Classification: Uncertain significance for Cardiovascular phenotype; Hereditary cancer-predisposing syndrome. Last evaluated: 2022-07-17. Review status: criteria provided, single submitter. Criteria: Ambry Variant Classification Scheme 2023. Collection method: clinical testing. Allele origin: germline.
Comment: The p.Q814H variant (also known as c.2442G>C), located in coding exon 21 of the LZTR1 gene, results from a G to C substitution at nucleotide position 2442. The glutamine at codon 814 is replaced by histidine, an amino acid with highly similar properties. This amino acid position is conserved. In addition, this alteration is predicted to be tolerated by in silico analysis. Since supporting evidence is limited at this time, the clinical significance of this alteration remains unclear.

NM_006767.4(LZTR1):c.2442G>C (p.Gln814His)

Gene: LZTR1 (leucine zipper like post translational regulator 1; plus strand). Cytogenetic location: 22q11.21.
Variant type: single nucleotide variant.
Coding change: c.2442G>C on transcript NM_006767.4 (MANE Select); coding-DNA position 2442, G replaced by C.
Protein change: p.Gln814His; replaces glutamine 814 with histidine.
Molecular consequence: missense variant.
Genome position (GRCh38, 1-based): chr22:20,997,267, G>C. VCF-style: chr22-20997267-G-C. GRCh37 (hg19) VCF-style: chr22-21351556-G-C.
Other names: short protein forms Q814H.
Identifiers: ClinVar variation 1791349 (VCV001791349.2), dbSNP rs1924898031, ClinGen allele CA410781626.